The following is an entry in ClinVar:

ClinVar aggregate classification (germline): Likely pathogenic. Review status: criteria provided, multiple submitters, no conflicts (2 of 4 stars). 2 submissions from 2 submitters: Likely pathogenic (2). Last evaluated 2024-05-14.

Conditions:
Xanthinuria type II. Also called: Xanthine dehydrogenase and aldehyde oxidase combined deficiency of; XDH and AOX dual deficiency. Identifiers: Orphanet 3467, Orphanet 93602, MedGen C1863688, MONDO:0011346, OMIM 603592.

Submissions (2):

Fulgent Genetics
Classification: Likely pathogenic for Xanthinuria type II. Last evaluated: 2024-05-14. Review status: criteria provided, single submitter. Criteria: ACMG Guidelines, 2015. Collection method: clinical testing. Allele origin: germline.

Labcorp Genetics (formerly Invitae), Labcorp
Classification: Likely pathogenic for Xanthinuria type II. Last evaluated: 2024-01-22. Review status: criteria provided, single submitter. Criteria: Invitae Variant Classification Sherloc (09022015). Collection method: clinical testing. Allele origin: germline.
Comment: This sequence change affects a donor splice site in intron 2 of the MOCOS gene. It is expected to disrupt RNA splicing. Variants that disrupt the donor or acceptor splice site typically lead to a loss of protein function (PMID: 16199547), and loss-of-function variants in MOCOS are known to be pathogenic (PMID: 11302742, 17368066). This variant is not present in population databases (gnomAD no frequency). This variant has not been reported in the literature in individuals affected with MOCOS-related conditions. Algorithms developed to predict the effect of sequence changes on RNA splicing suggest that this variant may disrupt the consensus splice site. In summary, the currently available evidence indicates that the variant is pathogenic, but additional data are needed to prove that conclusively. Therefore, this variant has been classified as Likely Pathogenic.

Literature cited by the submitters: PubMed 16199547 (cited by Labcorp Genetics (formerly Invitae), Labcorp); PubMed 11302742 (cited by Labcorp Genetics (formerly Invitae), Labcorp); PubMed 17368066 (cited by Labcorp Genetics (formerly Invitae), Labcorp).

NM_017947.4(MOCOS):c.232+1G>A

Gene: MOCOS (molybdenum cofactor sulfurase; plus strand). Cytogenetic location: 18q12.2.
Variant type: single nucleotide variant.
Coding change: c.232+1G>A on transcript NM_017947.4 (MANE Select); the canonical splice donor site of the intron after coding-DNA position 232, G replaced by A.
Molecular consequence: splice donor variant.
Genome position (GRCh38, 1-based): chr18:36,195,347, G>A. VCF-style: chr18-36195347-G-A. GRCh37 (hg19) VCF-style: chr18-33775310-G-A.
Identifiers: ClinVar variation 2904323 (VCV002904323.4), dbSNP rs2511387782, ClinGen allele CA402210367.